The following is an entry in ClinVar:

NM_000382.3(ALDH3A2):c.1220T>A (p.Met407Lys)

Gene: ALDH3A2 (aldehyde dehydrogenase 3 family member A2; plus strand). Cytogenetic location: 17p11.2.
Variant type: single nucleotide variant.
Coding change: c.1220T>A on transcript NM_000382.3 (MANE Select); coding-DNA position 1220, T replaced by A.
Protein change: p.Met407Lys; replaces methionine 407 with lysine.
Molecular consequence: missense variant. On other transcripts: intron variant (1).
Genome position (GRCh38, 1-based): chr17:19,671,733, T>A. VCF-style: chr17-19671733-T-A. GRCh37 (hg19) VCF-style: chr17-19575046-T-A.
Other names: c.1220T>A, p.Met407Lys (NM_001031806.2, NM_001369136.1, NM_001369137.2 and 2 more transcripts); c.641T>A, p.Met214Lys (NM_001369148.2); c.1208-3825T>A (NM_001369146.2); short protein forms M407K, M214K.
Identifiers: ClinVar variation 1358337 (VCV001358337.3), dbSNP rs779279732, ClinGen allele CA8443049.

ClinVar aggregate classification (germline): Uncertain significance (1 of 4 stars; one submission).

Allele frequency attached by ClinVar (database versions not stated): ExAC 0.00002; gnomAD exomes 0.00002 and 0.00004.

Submission:

Labcorp Genetics (formerly Invitae), Labcorp
Classification: Uncertain significance. Last evaluated: 2022-05-21. Review status: criteria provided, single submitter. Criteria: Invitae Variant Classification Sherloc (09022015). Collection method: clinical testing. Allele origin: germline.
Comment: This sequence change replaces methionine, which is neutral and non-polar, with lysine, which is basic and polar, at codon 407 of the ALDH3A2 protein (p.Met407Lys). This variant is present in population databases (rs779279732, gnomAD 0.02%). This variant has not been reported in the literature in individuals affected with ALDH3A2-related conditions. Advanced modeling of protein sequence and biophysical properties (such as structural, functional, and spatial information, amino acid conservation, physicochemical variation, residue mobility, and thermodynamic stability) performed at Invitae indicates that this missense variant is expected to disrupt ALDH3A2 protein function. In summary, the available evidence is currently insufficient to determine the role of this variant in disease. Therefore, it has been classified as a Variant of Uncertain Significance.